The following is an entry in ClinVar:

NM_000059.4(BRCA2):c.6397T>C (p.Ser2133Pro)

Gene: BRCA2 (BRCA2 DNA repair associated; plus strand). Cytogenetic location: 13q13.1.
Variant type: single nucleotide variant.
Coding change: c.6397T>C on transcript NM_000059.4 (MANE Select); coding-DNA position 6397, T replaced by C.
Protein change: p.Ser2133Pro; replaces serine 2133 with proline.
Molecular consequence: missense variant.
Genome position (GRCh38, 1-based): chr13:32,340,752, T>C. VCF-style: chr13-32340752-T-C. GRCh37 (hg19) VCF-style: chr13-32914889-T-C.
Other names: short protein forms S2133P.
Identifiers: ClinVar variation 627727 (VCV000627727.19), dbSNP rs1566234482, ClinGen allele CA387789228.

ClinVar aggregate classification (germline): Conflicting classifications of pathogenicity. Review status: criteria provided, conflicting classifications (1 of 4 stars). 4 submissions from 4 submitters: Uncertain significance (3); Likely benign (1). Last evaluated 2025-09-22.
ClinVar aggregate classification (somatic clinical impact): Tier III - Unknown (0 of 4 stars; one submission).

Conditions:
Hereditary cancer-predisposing syndrome. Also called: Hereditary Cancer Syndrome; Neoplastic Syndromes, Hereditary; Tumor predisposition; Hereditary neoplastic syndrome. Identifiers: Orphanet 140162, MedGen C0027672, MeSH D009386, MONDO:0015356.
Hereditary breast ovarian cancer syndrome. Also called: Hereditary breast and ovarian cancer syndrome; Hereditary breast and ovarian cancer; Hereditary breast and ovarian cancer syndrome (HBOC); Hereditary breast and/or ovarian cancer syndrome; BRCA1- and BRCA2-Associated Hereditary Breast and Ovarian Cancer; Breast and ovarian cancer. Identifiers: Orphanet 145, MedGen C0677776, MeSH D061325, MONDO:0003582. Disease mechanism: loss of function.
Familial cancer of breast. Also called: BREAST CANCER, FAMILIAL; Hereditary breast cancer; hereditary breast carcinoma. Identifiers: Orphanet 227535, MedGen C0346153, MONDO:0016419, OMIM 114480. Disease mechanism: loss of function.

Submissions (5):

Labcorp Genetics (formerly Invitae), Labcorp
Classification: Uncertain significance for Hereditary breast ovarian cancer syndrome. Last evaluated: 2025-09-22. Review status: criteria provided, single submitter. Criteria: Invitae Variant Classification Sherloc (09022015). Collection method: clinical testing. Allele origin: germline.
Comment: This sequence change replaces serine, which is neutral and polar, with proline, which is neutral and non-polar, at codon 2133 of the BRCA2 protein (p.Ser2133Pro). This variant is not present in population databases (gnomAD no frequency). This missense change has been observed in individual(s) with personal or family history of breast and/or ovarian cancer (PMID: 20960228). This variant is also known as 6625T>C. ClinVar contains an entry for this variant (Variation ID: 627727). Invitae Evidence Modeling of protein sequence and biophysical properties (such as structural, functional, and spatial information, amino acid conservation, physicochemical variation, residue mobility, and thermodynamic stability) indicates that this missense variant is not expected to disrupt BRCA2 protein function with a negative predictive value of 95%. In summary, the available evidence is currently insufficient to determine the role of this variant in disease. Therefore, it has been classified as a Variant of Uncertain Significance.

Ambry Genetics
Classification: Uncertain significance for Hereditary cancer-predisposing syndrome. Last evaluated: 2024-10-11. Review status: criteria provided, single submitter. Criteria: Ambry Variant Classification Scheme 2023. Collection method: clinical testing. Allele origin: germline.
Comment: The p.S2133P variant (also known as c.6397T>C), located in coding exon 10 of the BRCA2 gene, results from a T to C substitution at nucleotide position 6397. The serine at codon 2133 is replaced by proline, an amino acid with similar properties. This amino acid position is not well conserved in available vertebrate species. In addition, this alteration is predicted to be tolerated by in silico analysis. Since supporting evidence is limited at this time, the clinical significance of this alteration remains unclear.

University of Washington Department of Laboratory Medicine, University of Washington
Classification: Likely benign for Hereditary cancer-predisposing syndrome. Last evaluated: 2023-03-23. Review status: criteria provided, single submitter. Criteria: Dines et al. (Genet Med. 2020). Collection method: curation. Allele origin: germline.
Comment: Missense variant in a coldspot region where missense variants are very unlikely to be pathogenic (PMID:31911673).

BRCA2 exon 11 coldspot. Reclassification based on statistical prior probability.

Color Diagnostics, LLC DBA Color Health
Classification: Uncertain significance for Hereditary cancer-predisposing syndrome. Last evaluated: 2019-01-17. Review status: criteria provided, single submitter. Criteria: ACMG Guidelines, 2015. Collection method: clinical testing. Allele origin: germline.

Faculté Pluridciplinaire Nador, Université Mohamed Premier
Classification: Tier III - Unknown for Familial cancer of breast. Review status: no assertion criteria provided. Collection method: research. Allele origin: somatic. Affected: yes.
Comment: The following databases and algorithms are used to annotate and evaluate the impact of the variant in the context of human disease: 1000 genomes, gnomAD, ClinVar, OMIM, dbSNP, NCIB RefSeq Genes, ExAC Gene Constraints, VS-SIFT, VS-PolyPhen2, PhyloP, GERP++, GeneSplicer, MaxEntScan, NNSplice, PWM Splice Predictor.

Literature cited by the submitters: PubMed 20960228 (cited by Labcorp Genetics (formerly Invitae), Labcorp and Ambry Genetics).